The following is an entry in ClinVar:

NM_001039840.4(CHIC1):c.106T>C (p.Ser36Pro)

Gene: CHIC1 (cysteine rich hydrophobic domain 1; plus strand). Cytogenetic location: Xq13.2.
Variant type: single nucleotide variant.
Coding change: c.106T>C on transcript NM_001039840.4 (MANE Select); coding-DNA position 106, T replaced by C.
Protein change: p.Ser36Pro; replaces serine 36 with proline.
Molecular consequence: missense variant.
Genome position (GRCh38, 1-based): chrX:73,563,390, T>C. VCF-style: chrX-73563390-T-C. GRCh37 (hg19) VCF-style: chrX-72783226-T-C.
Other names: c.106T>C, p.Ser36Pro (NM_001300884.1); short protein forms S36P.
Identifiers: ClinVar variation 5034570 (VCV005034570.1).
Genomic context (GRCh38, chrX:73,563,390, plus strand): 5'-GAACTGGAGGAGGAGGAGGAAGAAGAAGCGGCAACGTCGTCGTCGTCGCCGTCGTCGTCG[T>C]CGTCGGTATCTGGGCCCGACGATGACGAGGAGGATGAGGAGGAAGAGGAGGAAGAGGAGG-3'
Protein context (NP_001034929.2, residues 26-46): ATSSSSPSSS[Ser36Pro]SVSGPDDDEE

ClinVar aggregate classification (germline): Uncertain significance (1 of 4 stars; one submission).

gnomAD v4.1: 15 of 1,151,579 alleles (0.0013%); highest among the groups gnomAD compares: Admixed American, 0.0054%; no homozygotes.

Submission:

Ambry Genetics
Classification: Uncertain significance. Last evaluated: 2026-08-05. Review status: criteria provided, single submitter. Criteria: Ambry Variant Classification Scheme 2023. Collection method: clinical testing. Allele origin: germline.
Comment: The c.106T>C (p.S36P) alteration is located in exon 1 (coding exon 1) of the CHIC1 gene. This alteration results from a T to C substitution at nucleotide position 106, causing the serine (S) at amino acid position 36 to be replaced by a proline (P). Based on data from gnomAD, the C allele has an overall frequency of 0.002% (2/108229) total alleles studied. The highest observed frequency was 0.006% (1/18002) of Latino alleles. Based on insufficient or conflicting evidence, the clinical significance of this alteration remains unclear.